The following is an entry in ClinVar:

NM_000093.5(COL5A1):c.277+146G>A

Gene: COL5A1 (collagen type V alpha 1 chain; plus strand). Cytogenetic location: 9q34.3.
Variant type: single nucleotide variant.
Coding change: c.277+146G>A on transcript NM_000093.5 (MANE Select); 146 bases into the intron after coding-DNA position 277, G replaced by A.
Molecular consequence: intron variant.
Genome position (GRCh38, 1-based): chr9:134,691,225, G>A. VCF-style: chr9-134691225-G-A. GRCh37 (hg19) VCF-style: chr9-137583071-G-A.
Other names: c.277+146G>A (NM_001278074.1).
Identifiers: ClinVar variation 675815 (VCV000675815.1), dbSNP rs78716219, ClinGen allele CA201077175.

ClinVar aggregate classification (germline): Likely benign (1 of 4 stars; one submission).

Allele frequency attached by ClinVar (database versions not stated): 1000 Genomes Project 0.00998; 1000 Genomes Project 30x 0.01046; gnomAD 0.01160 and 0.01253; TOPMed 0.01336.
gnomAD v4.1: 2,847 of 999,030 alleles (0.28%); highest among the groups gnomAD compares: African/African-American, 3.9%; 42 homozygotes.

Submission:

GeneDx
Classification: Likely benign. Last evaluated: 2018-06-16. Review status: criteria provided, single submitter. Criteria: GeneDx Variant Classification (06012015). Collection method: clinical testing. Allele origin: germline. Affected: yes.
Comment: This variant is considered likely benign or benign based on one or more of the following criteria: it is a conservative change, it occurs at a poorly conserved position in the protein, it is predicted to be benign by multiple in silico algorithms, and/or has population frequency not consistent with disease.